The following is an entry in ClinVar:

NM_153026.3(PRICKLE1):c.2276A>G (p.Asp759Gly)

Gene: PRICKLE1 (prickle planar cell polarity protein 1; minus strand). Cytogenetic location: 12q12.
Variant type: single nucleotide variant.
Coding change: c.2276A>G on transcript NM_153026.3 (MANE Select); coding-DNA position 2276, A replaced by G.
Protein change: p.Asp759Gly; replaces aspartic acid 759 with glycine.
Molecular consequence: missense variant.
Genome position (GRCh38, 1-based): chr12:42,460,029, T>C on the plus strand (A>G on the coding strand, the complement: PRICKLE1 is on the minus strand). VCF-style: chr12-42460029-T-C. GRCh37 (hg19) VCF-style: chr12-42853831-T-C.
Other names: c.2276A>G, p.Asp759Gly (NM_001144881.2, NM_001144882.2, NM_001144883.2); short protein forms D759G.
Identifiers: ClinVar variation 957363 (VCV000957363.8), dbSNP rs778196919, ClinGen allele CA6519627.
Genomic context (GRCh38, chr12:42,460,029, plus strand): 5'-AGAAAATATCCTTCTTCTTCCGAGTCGGAAGAGGAGGAGGAGGAAGAACACCAGGAATCA[T>C]CATCCTCGCCGTAGAGTCCCAGAAACCGATTCATTCCTGGGTTCTGCAGGCCATAATCGG-3'
Protein context (NP_694571.2, residues 749-769): NRFLGLYGED[Asp759Gly]DSWCSSSSSS

ClinVar aggregate classification (germline): Uncertain significance (1 of 4 stars; one submission).

Conditions:
Epilepsy, progressive myoclonic, 1B. Also called: PME. Identifiers: Orphanet 308, MedGen C2676254, MONDO:0012904, OMIM 612437.

Allele frequency attached by ClinVar (database versions not stated): gnomAD exomes below 0.00001; ExAC 0.00001; gnomAD 0.00001; TOPMed 0.00001.
gnomAD v4.1: 3 of 1,613,958 alleles (0.00019%); highest among the groups gnomAD compares: Admixed American, 0.0033%; no homozygotes.

Submission:

Labcorp Genetics (formerly Invitae), Labcorp
Classification: Uncertain significance for Epilepsy, progressive myoclonic, 1B. Last evaluated: 2022-05-21. Review status: criteria provided, single submitter. Criteria: Invitae Variant Classification Sherloc (09022015). Collection method: clinical testing. Allele origin: germline.
Comment: Algorithms developed to predict the effect of sequence changes on RNA splicing suggest that this variant may create or strengthen a splice site. Algorithms developed to predict the effect of missense changes on protein structure and function are either unavailable or do not agree on the potential impact of this missense change (SIFT: "Deleterious"; PolyPhen-2: "Benign"; Align-GVGD: "Class C0"). ClinVar contains an entry for this variant (Variation ID: 957363). This variant has not been reported in the literature in individuals affected with PRICKLE1-related conditions. This variant is present in population databases (rs778196919, gnomAD 0.003%). This sequence change replaces aspartic acid, which is acidic and polar, with glycine, which is neutral and non-polar, at codon 759 of the PRICKLE1 protein (p.Asp759Gly). In summary, the available evidence is currently insufficient to determine the role of this variant in disease. Therefore, it has been classified as a Variant of Uncertain Significance.